The following is an entry in ClinVar:

NM_000518.5(HBB):c.-150T>A

Genes: HBB (hemoglobin subunit beta; minus strand), LOC106099062 (HBB recombination region; plus strand), LOC107133510 (origin of replication at HBB; plus strand). Cytogenetic location: 11p15.4.
Variant type: single nucleotide variant.
Coding change: c.-150T>A on transcript NM_000518.5 (MANE Select); 150 bases upstream of the start codon, T replaced by A.
Genome position (GRCh38, 1-based): chr11:5,227,171, A>T on the plus strand (T>A on the coding strand, the complement: HBB is on the minus strand). VCF-style: chr11-5227171-A-T. GRCh37 (hg19) VCF-style: chr11-5248401-A-T.
Identifiers: ClinVar variation 495979 (VCV000495979.4), dbSNP rs1448799110, ClinGen allele CA658683683.

ClinVar aggregate classification (germline): Uncertain significance (1 of 4 stars; one submission).

Allele frequency attached by ClinVar (database versions not stated): gnomAD exomes below 0.00001.

Submission:

Women's Health and Genetics/Laboratory Corporation of America, LabCorp
Classification: Uncertain significance. Last evaluated: 2024-08-29. Review status: criteria provided, single submitter. Criteria: LabCorp Variant Classification Summary - May 2015. Collection method: clinical testing. Allele origin: germline.
Comment: Variant summary: HBB c.-150T>A is located in the untranscribed region upstream of the HBB gene region. The variant was absent in 31400 control chromosomes. The available data on variant occurrences in the general population are insufficient to allow any conclusion about variant significance. To our knowledge, no occurrence of c.-150T>A in individuals affected with Hemoglobinopathy and no experimental evidence demonstrating its impact on protein function have been reported. ClinVar contains an entry for this variant (Variation ID: 495979). Based on the evidence outlined above, the variant was classified as uncertain significance.